The following is an entry in ClinVar:

ClinVar aggregate classification (germline): Pathogenic. Review status: criteria provided, multiple submitters, no conflicts (2 of 4 stars). 2 submissions from 2 submitters: Pathogenic (2). Last evaluated 2025-11-06.

Conditions:
VPS13A-related neurodegenerative disease. Also called: LEVINE-CRITCHLEY SYNDROME; Choreoacanthocytosis; ACANTHOCYTOSIS WITH NEUROLOGIC DISORDER; Chorea-acanthocytosis; Choreaacanthocytosis; VPS13A Disease. Identifiers: Orphanet 2388, MedGen C0393576, MONDO:0008695, OMIM 200150.

Submissions (2):

Myriad Genetics, Inc.
Classification: Pathogenic for VPS13A-related neurodegenerative disease. Last evaluated: 2025-11-06. Review status: criteria provided, single submitter. Criteria: Myriad Autosomal Dominant, Autosomal Recessive and X-Linked Classification Criteria (2023). Collection method: clinical testing. Allele origin: unknown.
Comment: NM_033305.2(VPS13A):c.1797_1798dupTA(S600Ifs*3) is expected to be pathogenic in the context of VPS13A disease. This variant is predicted to lead to an abnormal or absent protein product due to the creation of a premature termination codon in VPS13A, a gene where loss-of-function variants are known to be pathogenic. Please note: this variant was assessed in the context of healthy population screening.

Labcorp Genetics (formerly Invitae), Labcorp
Classification: Pathogenic. Last evaluated: 2023-06-03. Review status: criteria provided, single submitter. Criteria: Invitae Variant Classification Sherloc (09022015). Collection method: clinical testing. Allele origin: germline.
Comment: This sequence change creates a premature translational stop signal (p.Ser600Ilefs*3) in the VPS13A gene. It is expected to result in an absent or disrupted protein product. Loss-of-function variants in VPS13A are known to be pathogenic (PMID: 12404112, 21598378). This variant is not present in population databases (gnomAD no frequency). This variant has not been reported in the literature in individuals affected with VPS13A-related conditions. For these reasons, this variant has been classified as Pathogenic.

Literature cited by the submitters: PubMed 12404112 (cited by Labcorp Genetics (formerly Invitae), Labcorp); PubMed 21598378 (cited by Labcorp Genetics (formerly Invitae), Labcorp).

NM_033305.3(VPS13A):c.1797_1798dup (p.Ser600fs)

Gene: VPS13A (vacuolar protein sorting 13 homolog A; plus strand). Cytogenetic location: 9q21.2.
Variant type: Duplication.
Coding change: c.1797_1798dup on transcript NM_033305.3 (MANE Select); coding-DNA positions 1797 to 1798, 2 bases duplicated (TA; older notation c.1797_1798dupTA).
Protein change: p.Ser600fs; shifts the reading frame from serine 600.
Molecular consequence: frameshift variant.
Genome position (GRCh38, 1-based): chr9:77,238,283-77,238,284, TA duplicated; duplicating any 2 consecutive bases within chr9:77,238,282-77,238,284 gives the same sequence; the c. name uses the placement nearest the transcript's 3' end. VCF-style (leftmost placement, unchanged base first): chr9-77238281-A-AAT. GRCh37 (hg19) VCF-style: chr9-79853197-A-AAT.
Other names: c.1797_1798dup, p.Ser600fs (NM_001018037.2, NM_001018038.3, NM_015186.4); short protein forms S600fs.
Identifiers: ClinVar variation 2872489 (VCV002872489.4), dbSNP rs2537667918, ClinGen allele CA2739269277.